The following is an entry in ClinVar:

NM_000057.4(BLM):c.1702G>C (p.Glu568Gln)

Gene: BLM (BLM RecQ like helicase; plus strand). Cytogenetic location: 15q26.1.
Variant type: single nucleotide variant.
Coding change: c.1702G>C on transcript NM_000057.4 (MANE Select); coding-DNA position 1702, G replaced by C.
Protein change: p.Glu568Gln; replaces glutamic acid 568 with glutamine.
Molecular consequence: missense variant.
Genome position (GRCh38, 1-based): chr15:90,761,075, G>C. VCF-style: chr15-90761075-G-C. GRCh37 (hg19) VCF-style: chr15-91304305-G-C.
Other names: c.1702G>C, p.Glu568Gln (NM_001287246.2, NM_001287247.2); c.577G>C, p.Glu193Gln (NM_001287248.2); c.1702G>C (NM_000057.2); short protein forms E193Q, E568Q.
Identifiers: ClinVar variation 941973 (VCV000941973.13), dbSNP rs1360373872, ClinGen allele CA393843660.

ClinVar aggregate classification (germline): Uncertain significance. Review status: criteria provided, multiple submitters, no conflicts (2 of 4 stars). 3 submissions from 3 submitters: Uncertain significance (2). 1 of the submissions does not count toward it. Last evaluated 2024-05-25.

Conditions:
Hereditary cancer-predisposing syndrome. Also called: Hereditary neoplastic syndrome; Neoplastic Syndromes, Hereditary; Tumor predisposition; Hereditary Cancer Syndrome. Identifiers: Orphanet 140162, MedGen C0027672, MeSH D009386, MONDO:0015356.
Bloom syndrome (BLM). Also called: Bloom-Torre-Machacek syndrome. Identifiers: Orphanet 125, MedGen C0005859, MONDO:0008876, OMIM 210900.

Allele frequency attached by ClinVar (database versions not stated): gnomAD exomes 0.00003; TOPMed 0.00011; gnomAD 0.00014 and 0.00015.
gnomAD v4.1: 28 of 1,574,562 alleles (0.0018%); highest among the groups gnomAD compares: Admixed American, 0.053%; no homozygotes.

Submissions (3):

Ambry Genetics
Classification: Uncertain significance for Hereditary cancer-predisposing syndrome. Last evaluated: 2024-05-25. Review status: criteria provided, single submitter. Criteria: Ambry Variant Classification Scheme 2023. Collection method: clinical testing. Allele origin: germline.
Comment: The p.E568Q variant (also known as c.1702G>C), located in coding exon 6 of the BLM gene, results from a G to C substitution at nucleotide position 1702. The glutamic acid at codon 568 is replaced by glutamine, an amino acid with highly similar properties. This amino acid position is conserved. In addition, this alteration is predicted to be tolerated by in silico analysis. Since supporting evidence is limited at this time, the clinical significance of this alteration remains unclear.

Labcorp Genetics (formerly Invitae), Labcorp
Classification: Uncertain significance for Bloom syndrome. Last evaluated: 2021-08-24. Review status: criteria provided, single submitter. Criteria: Invitae Variant Classification Sherloc (09022015). Collection method: clinical testing. Allele origin: germline.
Comment: This sequence change replaces glutamic acid with glutamine at codon 568 of the BLM protein (p.Glu568Gln). The glutamic acid residue is weakly conserved and there is a small physicochemical difference between glutamic acid and glutamine. This variant is not present in population databases (ExAC no frequency). This variant has not been reported in the literature in individuals affected with BLM-related conditions. Algorithms developed to predict the effect of missense changes on protein structure and function (SIFT, PolyPhen-2, Align-GVGD) all suggest that this variant is likely to be tolerated. In summary, the available evidence is currently insufficient to determine the role of this variant in disease. Therefore, it has been classified as a Variant of Uncertain Significance.

Natera, Inc.
Classification: Uncertain significance for Bloom syndrome. Last evaluated: 2020-05-05. Review status: no assertion criteria provided. Collection method: clinical testing. Allele origin: germline. Not counted in ClinVar's aggregate classification.